The following is an entry in ClinVar:

ClinVar aggregate classification (germline): Benign/Likely benign. Review status: criteria provided, multiple submitters, no conflicts (2 of 4 stars). 4 submissions from 4 submitters: Benign (3); Likely benign (1). Last evaluated 2026-03-26.

Conditions:
Alkaptonuria (AKU). Also called: HOMOGENTISIC ACID OXIDASE DEFICIENCY; Alcaptonuria; Homogentisic acidura; Alkaptonuric ochronosis. Identifiers: Orphanet 56, MedGen C0002066, MONDO:0008753, OMIM 203500.
HGD-related disorder. Also called: HGD-related condition.

Allele frequency attached by ClinVar (database versions not stated): gnomAD exomes 0.00062 and 0.00148; ExAC 0.00191; ESP Exome Variant Server 0.00354; 1000 Genomes Project 0.00459; gnomAD 0.00490 and 0.00530; TOPMed 0.00531.
gnomAD v4.1: 1,689 of 1,606,428 alleles (0.11%); highest among the groups gnomAD compares: African/African-American, 1.6%; 13 homozygotes.

Submissions (4):

PreventionGenetics, part of Exact Sciences
Classification: Benign for HGD-related condition. Last evaluated: 2026-03-26. Review status: criteria provided, single submitter. Criteria: ACMG Guidelines, 2015. Collection method: clinical testing. Allele origin: germline.
Comment: This variant is classified as benign based on ACMG/AMP sequence variant interpretation guidelines (Richards et al. 2015 PMID: 25741868, with internal and published modifications).

Labcorp Genetics (formerly Invitae), Labcorp
Classification: Benign for Alkaptonuria. Last evaluated: 2026-01-25. Review status: criteria provided, single submitter. Criteria: Invitae Variant Classification Sherloc (09022015). Collection method: clinical testing. Allele origin: germline.

Blueprint Genetics
Classification: Likely benign. Last evaluated: 2024-11-26. Review status: criteria provided, single submitter. Criteria: ACMG Guidelines, 2015. Collection method: clinical testing. Allele origin: germline.

Illumina Laboratory Services, Illumina
Classification: Benign for Alkaptonuria. Last evaluated: 2018-01-13. Review status: criteria provided, single submitter. Criteria: ICSL Variant Classification Criteria 13 December 2019. Collection method: clinical testing. Allele origin: germline.
Comment: This variant was observed in the ICSL laboratory as part of a predisposition screen in an ostensibly healthy population. It had not been previously curated by ICSL or reported in the Human Gene Mutation Database (HGMD: prior to June 1st, 2018), and was therefore a candidate for classification through an automated scoring system. Utilizing variant allele frequency, disease prevalence and penetrance estimates, and inheritance mode, an automated score was calculated to assess if this variant is too frequent to cause the disease. Based on the score and internal cut-off values, a variant classified as benign is not then subjected to further curation. The score for this variant resulted in a classification of benign for this disease.

NM_000187.4(HGD):c.283-4C>T

Gene: HGD (homogentisate 1,2-dioxygenase; minus strand). Cytogenetic location: 3q13.33.
Variant type: single nucleotide variant.
Coding change: c.283-4C>T on transcript NM_000187.4 (MANE Select); 4 bases into the intron before coding-DNA position 283, C replaced by T.
Molecular consequence: intron variant.
Genome position (GRCh38, 1-based): chr3:120,652,655, G>A on the plus strand (C>T on the coding strand, the complement: HGD is on the minus strand). VCF-style: chr3-120652655-G-A. GRCh37 (hg19) VCF-style: chr3-120371502-G-A.
Identifiers: ClinVar variation 784577 (VCV000784577.16), dbSNP rs7652072, ClinGen allele CA2560272.
Genomic context (GRCh38, chr3:120,652,655, plus strand): 5'-CACAAAGTCTACTTTCTTCTGAGATGCTTTTGGAATCTCAAATGGTTTCCATCTAAGCTG[G>A]AAAAAAAATACACATACAGAAAAATTACTTCACAAGGGTAAACCATAGACCTTCTAAATA-3'